The following is an entry in ClinVar:

NM_005591.4(MRE11):c.1194T>A (p.Phe398Leu)

Gene: MRE11 (MRE11 double strand break repair nuclease; minus strand). Cytogenetic location: 11q21.
Variant type: single nucleotide variant.
Coding change: c.1194T>A on transcript NM_005591.4 (MANE Select); coding-DNA position 1194, T replaced by A.
Protein change: p.Phe398Leu; replaces phenylalanine 398 with leucine.
Molecular consequence: missense variant.
Genome position (GRCh38, 1-based): chr11:94,464,144, A>T on the plus strand (T>A on the coding strand, the complement: MRE11 is on the minus strand). VCF-style: chr11-94464144-A-T. GRCh37 (hg19) VCF-style: chr11-94197310-A-T.
Other names: c.1194T>A, p.Phe398Leu (NM_001330347.2, NM_005590.4); short protein forms F398L.
Identifiers: ClinVar variation 485816 (VCV000485816.11), dbSNP rs1555010853, ClinGen allele CA382372746.

ClinVar aggregate classification (germline): Uncertain significance. Review status: criteria provided, multiple submitters, no conflicts (2 of 4 stars). 2 submissions from 2 submitters: Uncertain significance (2). Last evaluated 2024-05-08.

Conditions:
Ataxia-telangiectasia-like disorder (ATLD). Identifiers: MedGen C1858391, MONDO:0011457.
Hereditary cancer-predisposing syndrome. Also called: Tumor predisposition; Hereditary Cancer Syndrome; Hereditary neoplastic syndrome; Neoplastic Syndromes, Hereditary. Identifiers: Orphanet 140162, MedGen C0027672, MeSH D009386, MONDO:0015356.

Submissions (2):

Labcorp Genetics (formerly Invitae), Labcorp
Classification: Uncertain significance for Ataxia-telangiectasia-like disorder. Last evaluated: 2024-05-08. Review status: criteria provided, single submitter. Criteria: Invitae Variant Classification Sherloc (09022015). Collection method: clinical testing. Allele origin: germline.
Comment: This sequence change replaces phenylalanine, which is neutral and non-polar, with leucine, which is neutral and non-polar, at codon 398 of the MRE11 protein (p.Phe398Leu). This variant is not present in population databases (gnomAD no frequency). This variant has not been reported in the literature in individuals affected with MRE11-related conditions. ClinVar contains an entry for this variant (Variation ID: 485816). An algorithm developed to predict the effect of missense changes on protein structure and function (PolyPhen-2) suggests that this variant is likely to be disruptive. In summary, the available evidence is currently insufficient to determine the role of this variant in disease. Therefore, it has been classified as a Variant of Uncertain Significance.

Ambry Genetics
Classification: Uncertain significance for Hereditary cancer-predisposing syndrome. Last evaluated: 2022-09-25. Review status: criteria provided, single submitter. Criteria: Ambry Variant Classification Scheme 2023. Collection method: clinical testing. Allele origin: germline.
Comment: The p.F398L variant (also known as c.1194T>A), located in coding exon 10 of the MRE11A gene, results from a T to A substitution at nucleotide position 1194. The phenylalanine at codon 398 is replaced by leucine, an amino acid with highly similar properties. This variant was not reported in population based cohorts in the following databases: Database of Single Nucleotide Polymorphisms (dbSNP), NHLBI Exome Sequencing Project (ESP), and 1000 Genomes Project. In the ESP, this variant was not observed in 6499 samples (12998 alleles) with coverage at this position. To date, this alteration has been detected with an allele frequency of approximately 0.001% (greater than 175000 alleles tested) in our clinical cohort. This amino acid position is highly conserved in available vertebrate species. In addition, this alteration is predicted to be deleterious by in silico analysis. Since supporting evidence is limited at this time, the clinical significance of this alteration remains unclear.